The following is an entry in ClinVar:

ClinVar aggregate classification (germline): Pathogenic. Review status: criteria provided, multiple submitters, no conflicts (2 of 4 stars). 2 submissions from 2 submitters: Pathogenic (2). Last evaluated 2022-03-15.

Conditions:
Autosomal recessive nonsyndromic hearing loss 4 (DFNB4). Also called: NEUROSENSORY NONSYNDROMIC RECESSIVE DEAFNESS 4; Deafness, autosomal recessive 4, with enlarged vestibular aqueduct; Deafness, autosomal recessive 4; Enlarged vestibular aqueduct, digenic; Nonsyndromic enlarged vestibular aqueduct (NSEVA); FOXI1-Related Pendred Syndrome. Identifiers: Orphanet 90636, MedGen C3538946, MONDO:0010933, OMIM 600791.

Submissions (2):

Labcorp Genetics (formerly Invitae), Labcorp
Classification: Pathogenic. Last evaluated: 2022-03-15. Review status: criteria provided, single submitter. Criteria: Invitae Variant Classification Sherloc (09022015). Collection method: clinical testing. Allele origin: germline.
Comment: For these reasons, this variant has been classified as Pathogenic. ClinVar contains an entry for this variant (Variation ID: 1334109). This premature translational stop signal has been observed in individual(s) with deafness (PMID: 32747562). This variant is not present in population databases (gnomAD no frequency). This sequence change creates a premature translational stop signal (p.Ala352Hisfs*16) in the SLC26A4 gene. It is expected to result in an absent or disrupted protein product. Loss-of-function variants in SLC26A4 are known to be pathogenic (PMID: 16283880, 25394566, 26252218, 26445815).

King Laboratory, University of Washington
Classification: Pathogenic for Autosomal recessive nonsyndromic hearing loss 4. Last evaluated: 2020-08-01. Review status: criteria provided, single submitter. Criteria: Abu Rayyan A et al. (Proc Natl Acad Sci U S A 2020). Collection method: research. Allele origin: germline. Affected: yes.
Comment: SLC26A4 c.1054delG, p.A352fs leads to a stop at codon 368. It is absent from 1300 Palestinian controls and from gnomAD v2.1.1.

Literature cited by the submitters: PubMed 32747562 (cited by Labcorp Genetics (formerly Invitae), Labcorp); PubMed 16283880 (cited by Labcorp Genetics (formerly Invitae), Labcorp); PubMed 25394566 (cited by Labcorp Genetics (formerly Invitae), Labcorp); PubMed 26252218 (cited by Labcorp Genetics (formerly Invitae), Labcorp); PubMed 26445815 (cited by Labcorp Genetics (formerly Invitae), Labcorp).

NM_000441.2(SLC26A4):c.1054del (p.Ala352fs)

Gene: SLC26A4 (solute carrier family 26 member 4; plus strand). Cytogenetic location: 7q22.3.
Variant type: Deletion.
Coding change: c.1054del on transcript NM_000441.2 (MANE Select); coding-DNA position 1054, one base deleted (G; older notation c.1054delG).
Protein change: p.Ala352fs; shifts the reading frame from alanine 352.
Molecular consequence: frameshift variant.
Genome position (GRCh38, 1-based): chr7:107,689,105, G deleted. VCF-style (leftmost placement, unchanged base first): chr7-107689104-TG-T. GRCh37 (hg19) VCF-style: chr7-107329549-TG-T.
Other names: NM_000441.1:c.1054delG; short protein forms A352fs.
Identifiers: ClinVar variation 1334109 (VCV001334109.7), dbSNP rs2129315801, ClinGen allele CA2573052787.